The following is an entry in ClinVar:

ClinVar aggregate classification (germline): Conflicting classifications of pathogenicity. Review status: criteria provided, conflicting classifications (1 of 4 stars). 2 submissions from 2 submitters: Uncertain significance (1); Likely benign (1). Last evaluated 2025-11-08.

Conditions:
Inborn genetic diseases. Identifiers: MedGen C0950123, MeSH D030342.
Congenital myopathy with internal nuclei and atypical cores. Also called: Myopathy, centronuclear, 4. Identifiers: Orphanet 319160, MedGen C4707232, MONDO:0013890, OMIM 614807.

Allele frequency attached by ClinVar (database versions not stated): ExAC 0.00009; gnomAD exomes 0.00011; ESP Exome Variant Server 0.00015; gnomAD 0.00015 and 0.00016; TOPMed 0.00022; 1000 Genomes Project 30x 0.00047; 1000 Genomes Project 0.00060.
gnomAD v4.1: 98 of 1,598,742 alleles (0.0061%); highest among the groups gnomAD compares: Admixed American, 0.076%; no homozygotes.

Submissions (2):

Ambry Genetics
Classification: Likely benign for Inborn genetic diseases. Last evaluated: 2025-11-08. Review status: criteria provided, single submitter. Criteria: Ambry Variant Classification Scheme 2023. Collection method: clinical testing. Allele origin: germline.

Labcorp Genetics (formerly Invitae), Labcorp
Classification: Uncertain significance for Congenital myopathy with internal nuclei and atypical cores. Last evaluated: 2025-07-16. Review status: criteria provided, single submitter. Criteria: Invitae Variant Classification Sherloc (09022015). Collection method: clinical testing. Allele origin: germline.
Comment: This sequence change replaces glycine, which is neutral and non-polar, with glutamic acid, which is acidic and polar, at codon 368 of the CCDC78 protein (p.Gly368Glu). This variant is present in population databases (rs145971446, gnomAD 0.06%), and has an allele count higher than expected for a pathogenic variant. This variant has not been reported in the literature in individuals affected with CCDC78-related conditions. ClinVar contains an entry for this variant (Variation ID: 473249). Invitae Evidence Modeling of protein sequence and biophysical properties (such as structural, functional, and spatial information, amino acid conservation, physicochemical variation, residue mobility, and thermodynamic stability) indicates that this missense variant is not expected to disrupt CCDC78 protein function with a negative predictive value of 80%. In summary, the available evidence is currently insufficient to determine the role of this variant in disease. Therefore, it has been classified as a Variant of Uncertain Significance.

NM_001378030.1(CCDC78):c.1103G>A (p.Gly368Glu)

Gene: CCDC78 (coiled-coil domain containing 78; minus strand). Cytogenetic location: 16p13.3.
Variant type: single nucleotide variant.
Coding change: c.1103G>A on transcript NM_001378030.1 (MANE Select); coding-DNA position 1103, G replaced by A.
Protein change: p.Gly368Glu; replaces glycine 368 with glutamic acid.
Molecular consequence: missense variant. On other transcripts: non-coding transcript variant (5), intron variant (1).
Genome position (GRCh38, 1-based): chr16:723,887, C>T on the plus strand (G>A on the coding strand, the complement: CCDC78 is on the minus strand). VCF-style: chr16-723887-C-T. GRCh37 (hg19) VCF-style: chr16-773887-C-T.
Other names: c.1103G>A, p.Gly368Glu (NM_001031737.3); c.536G>A, p.Gly179Glu (NM_001378033.1); c.953+435G>A (NM_001378031.1); short protein forms G368E, G179E.
Identifiers: ClinVar variation 473249 (VCV000473249.11), dbSNP rs145971446, ClinGen allele CA7789252.